The following is an entry in ClinVar:

ClinVar aggregate classification (germline): Uncertain significance. Review status: criteria provided, multiple submitters, no conflicts (2 of 4 stars). 3 submissions from 3 submitters: Uncertain significance (3). Last evaluated 2025-11-10.

Conditions:
POLD1-related polyposis and colorectal cancer syndrome (CRCS10). Also called: Colorectal cancer 10; COLORECTAL CANCER, SUSCEPTIBILITY TO, ON CHROMOSOME 19q; Colorectal cancer, susceptibility to, 10. Identifiers: Orphanet 220460, MedGen C2675481, MONDO:0012953, OMIM 612591.
Immunodeficiency 120. Identifiers: MedGen C5935622, MONDO:0970994, OMIM 620836.
Mandibular hypoplasia-deafness-progeroid syndrome. Also called: Mandibular hypoplasia, deafness, progeroid features, and lipodystrophy syndrome. Identifiers: Orphanet 363649, MedGen C3715192, MONDO:0014157, OMIM 615381.
Hereditary cancer-predisposing syndrome. Also called: Tumor predisposition; Hereditary Cancer Syndrome; Hereditary neoplastic syndrome; Neoplastic Syndromes, Hereditary. Identifiers: Orphanet 140162, MedGen C0027672, MeSH D009386, MONDO:0015356.

gnomAD v4.1: 14 of 1,614,128 alleles (0.00087%); highest among the groups gnomAD compares: Non-Finnish European, 0.0012%; no homozygotes.

Submissions (3):

Labcorp Genetics (formerly Invitae), Labcorp
Classification: Uncertain significance for POLD1-related polyposis and colorectal cancer syndrome. Last evaluated: 2025-11-10. Review status: criteria provided, single submitter. Criteria: Invitae Variant Classification Sherloc (09022015). Collection method: clinical testing. Allele origin: germline.
Comment: This sequence change replaces arginine, which is basic and polar, with proline, which is neutral and non-polar, at codon 81 of the POLD1 protein (p.Arg81Pro). This variant is not present in population databases (gnomAD no frequency). This variant has not been reported in the literature in individuals affected with POLD1-related conditions. ClinVar contains an entry for this variant (Variation ID: 961230). Invitae Evidence Modeling of protein sequence and biophysical properties (such as structural, functional, and spatial information, amino acid conservation, physicochemical variation, residue mobility, and thermodynamic stability) indicates that this missense variant is expected to disrupt POLD1 protein function with a positive predictive value of 80%. In summary, the available evidence is currently insufficient to determine the role of this variant in disease. Therefore, it has been classified as a Variant of Uncertain Significance.

Ambry Genetics
Classification: Uncertain significance for Hereditary cancer-predisposing syndrome. Last evaluated: 2025-04-01. Review status: criteria provided, single submitter. Criteria: Ambry Variant Classification Scheme 2023. Collection method: clinical testing. Allele origin: germline.
Comment: The p.R81P variant (also known as c.242G>C), located in coding exon 2 of the POLD1 gene, results from a G to C substitution at nucleotide position 242. The arginine at codon 81 is replaced by proline, an amino acid with dissimilar properties. This amino acid position is highly conserved in available vertebrate species. In addition, the in silico prediction for this alteration is inconclusive. Based on the available evidence, the clinical significance of this variant remains unclear.

Fulgent Genetics
Classification: Uncertain significance for POLD1-related polyposis and colorectal cancer syndrome; Mandibular hypoplasia-deafness-progeroid syndrome; Immunodeficiency 120. Last evaluated: 2024-06-14. Review status: criteria provided, single submitter. Criteria: ACMG Guidelines, 2015. Collection method: clinical testing. Allele origin: germline.

NM_002691.4(POLD1):c.242G>C (p.Arg81Pro)

Gene: POLD1 (DNA polymerase delta 1, catalytic subunit; plus strand). Cytogenetic location: 19q13.33.
Variant type: single nucleotide variant.
Coding change: c.242G>C on transcript NM_002691.4 (MANE Select); coding-DNA position 242, G replaced by C.
Protein change: p.Arg81Pro; replaces arginine 81 with proline.
Molecular consequence: missense variant. On other transcripts: non-coding transcript variant (1).
Genome position (GRCh38, 1-based): chr19:50,399,410, G>C. VCF-style: chr19-50399410-G-C. GRCh37 (hg19) VCF-style: chr19-50902667-G-C.
Other names: c.242G>C, p.Arg81Pro (NM_001256849.1, NM_001308632.1); c.242G>C (NM_002691.2); short protein forms R81P.
Identifiers: ClinVar variation 961230 (VCV000961230.9), dbSNP rs755461109, ClinGen allele CA406970452.